The following is an entry in ClinVar:

NM_015080.4(NRXN2):c.1334A>G (p.Asn445Ser)

Gene: NRXN2 (neurexin 2; minus strand). Cytogenetic location: 11q13.1.
Variant type: single nucleotide variant.
Coding change: c.1334A>G on transcript NM_015080.4 (MANE Select); coding-DNA position 1334, A replaced by G.
Protein change: p.Asn445Ser; replaces asparagine 445 with serine.
Molecular consequence: missense variant.
Genome position (GRCh38, 1-based): chr11:64,668,468, T>C on the plus strand (A>G on the coding strand, the complement: NRXN2 is on the minus strand). VCF-style: chr11-64668468-T-C. GRCh37 (hg19) VCF-style: chr11-64435940-T-C.
Other names: c.1334A>G, p.Asn445Ser (NM_001376262.1); c.1313A>G, p.Asn438Ser (NM_001376263.1, NM_001376267.1); c.1289A>G, p.Asn430Ser (NM_001376265.1); c.1310A>G, p.Asn437Ser (NM_001376266.1); c.1241A>G, p.Asn414Ser (NM_138732.3); short protein forms N414S, N430S, N437S, N438S, N445S.
Identifiers: ClinVar variation 2429007 (VCV002429007.4), dbSNP rs2050191393, ClinGen allele CA381135360.

ClinVar aggregate classification (germline): Uncertain significance (1 of 4 stars; one submission).

Allele frequency attached by ClinVar (database versions not stated): gnomAD exomes below 0.00001.
gnomAD v4.1: 5 of 1,614,048 alleles (0.00031%); highest among the groups gnomAD compares: African/African-American, 0.0013%; no homozygotes.

Submission:

Greenwood Genetic Center Diagnostic Laboratories, Greenwood Genetic Center
Classification: Uncertain significance. Last evaluated: 2022-11-28. Review status: criteria provided, single submitter. Criteria: ACMG Guidelines, 2015. Collection method: clinical testing. Allele origin: germline. Affected: yes.
Comment: Gene of Uncertain Significance